The following is an entry in ClinVar:

NM_004239.4(TRIP11):c.2293A>C (p.Ile765Leu)

Gene: TRIP11 (thyroid hormone receptor interactor 11; minus strand). Cytogenetic location: 14q32.12.
Variant type: single nucleotide variant.
Coding change: c.2293A>C on transcript NM_004239.4 (MANE Select); coding-DNA position 2293, A replaced by C.
Protein change: p.Ile765Leu; replaces isoleucine 765 with leucine.
Molecular consequence: missense variant.
Genome position (GRCh38, 1-based): chr14:92,005,683, T>G on the plus strand (A>C on the coding strand, the complement: TRIP11 is on the minus strand). VCF-style: chr14-92005683-T-G. GRCh37 (hg19) VCF-style: chr14-92472027-T-G.
Other names: c.2290A>C, p.Ile764Leu (NM_001321851.1); c.2293A>C (NM_004239.3); short protein forms I765L, I764L.
Identifiers: ClinVar variation 3666481 (VCV003666481.2).

ClinVar aggregate classification (germline): Uncertain significance. Review status: criteria provided, multiple submitters, no conflicts (2 of 4 stars). 2 submissions from 2 submitters: Uncertain significance (2). Last evaluated 2025-06-07.

Conditions:
Inborn genetic diseases. Identifiers: MedGen C0950123, MeSH D030342.
Achondrogenesis, type IA (ACG1A). Identifiers: Orphanet 932, Orphanet 93299, MedGen C0265273, MONDO:0008701, OMIM 200600.

gnomAD v4.1: 70 of 1,613,852 alleles (0.0043%); highest among the groups gnomAD compares: South Asian, 0.069%; 1 homozygote.

Submissions (2):

Ambry Genetics
Classification: Uncertain significance for Inborn genetic diseases. Last evaluated: 2025-06-07. Review status: criteria provided, single submitter. Criteria: Ambry Variant Classification Scheme 2023. Collection method: clinical testing. Allele origin: germline.

Labcorp Genetics (formerly Invitae), Labcorp
Classification: Uncertain significance for Achondrogenesis, type IA. Last evaluated: 2024-09-22. Review status: criteria provided, single submitter. Criteria: Invitae Variant Classification Sherloc (09022015). Collection method: clinical testing. Allele origin: germline.
Comment: This sequence change replaces isoleucine, which is neutral and non-polar, with leucine, which is neutral and non-polar, at codon 765 of the TRIP11 protein (p.Ile765Leu). This variant is present in population databases (rs528641114, gnomAD 0.06%). This variant has not been reported in the literature in individuals affected with TRIP11-related conditions. Invitae Evidence Modeling of protein sequence and biophysical properties (such as structural, functional, and spatial information, amino acid conservation, physicochemical variation, residue mobility, and thermodynamic stability) indicates that this missense variant is not expected to disrupt TRIP11 protein function with a negative predictive value of 80%. In summary, the available evidence is currently insufficient to determine the role of this variant in disease. Therefore, it has been classified as a Variant of Uncertain Significance.